The following is an entry in ClinVar:

NM_001171.6(ABCC6):c.1885A>G (p.Ile629Val)

Gene: ABCC6 (ATP binding cassette subfamily C member 6; minus strand). Cytogenetic location: 16p13.11.
Variant type: single nucleotide variant.
Coding change: c.1885A>G on transcript NM_001171.6 (MANE Select); coding-DNA position 1885, A replaced by G.
Protein change: p.Ile629Val; replaces isoleucine 629 with valine.
Molecular consequence: missense variant. On other transcripts: non-coding transcript variant (1).
Genome position (GRCh38, 1-based): chr16:16,185,017, T>C on the plus strand (A>G on the coding strand, the complement: ABCC6 is on the minus strand). VCF-style: chr16-16185017-T-C. GRCh37 (hg19) VCF-style: chr16-16278874-T-C.
Other names: c.1543A>G, p.Ile515Val (NM_001351800.1); short protein forms I629V, I515V.
Identifiers: ClinVar variation 1358503 (VCV001358503.4), dbSNP rs1208037787, ClinGen allele CA394888988.
Genomic context (GRCh38, chr16:16,185,017, plus strand): 5'-ACCTGTGGAGGCAGGGAGGGCTTTCCTGGGACCAGGCGAAGGTGGCACTGTGTATGGTGA[T>C]GCAATCCTTCCCGGCAGCTGCAGGGCACAAGAGGCCATTTACAGGAGACCCCTGACCTGG-3'
Protein context (NP_001162.5, residues 619-639): SSGSAAGKDC[Ile629Val]TIHSATFAWS

ClinVar aggregate classification (germline): Uncertain significance. Review status: criteria provided, multiple submitters, no conflicts (2 of 4 stars). 2 submissions from 2 submitters: Uncertain significance (2). Last evaluated 2024-05-12.

Conditions:
Autosomal recessive inherited pseudoxanthoma elasticum (PXE). Identifiers: Orphanet 758, MedGen CN032334, MONDO:0009925, OMIM 264800.
Pseudoxanthoma elasticum, forme fruste. Also called: PSEUDOXANTHOMA ELASTICUM, HETEROZYGOUS; Pseudoxanthoma Elasticum, Incomplete. Identifiers: Orphanet 758, MedGen C1867450, MONDO:0008333, OMIM 177850.
Arterial calcification, generalized, of infancy, 2. Identifiers: Orphanet 51608, MedGen C3276161, MONDO:0013768, OMIM 614473.

Allele frequency attached by ClinVar (database versions not stated): gnomAD exomes below 0.00001 and 0.00001; TOPMed below 0.00001.
gnomAD v4.1: 9 of 1,613,708 alleles (0.00056%); highest among the groups gnomAD compares: Admixed American, 0.0067%; no homozygotes.

Submissions (2):

Fulgent Genetics
Classification: Uncertain significance for Pseudoxanthoma elasticum, forme fruste; Autosomal recessive inherited pseudoxanthoma elasticum; Arterial calcification, generalized, of infancy, 2. Last evaluated: 2024-05-12. Review status: criteria provided, single submitter. Criteria: ACMG Guidelines, 2015. Collection method: clinical testing. Allele origin: germline.

Labcorp Genetics (formerly Invitae), Labcorp
Classification: Uncertain significance. Last evaluated: 2022-08-20. Review status: criteria provided, single submitter. Criteria: Invitae Variant Classification Sherloc (09022015). Collection method: clinical testing. Allele origin: germline.
Comment: This sequence change replaces isoleucine, which is neutral and non-polar, with valine, which is neutral and non-polar, at codon 629 of the ABCC6 protein (p.Ile629Val). This variant is present in population databases (no rsID available, gnomAD 0.0009%). This variant has not been reported in the literature in individuals affected with ABCC6-related conditions. ClinVar contains an entry for this variant (Variation ID: 1358503). Advanced modeling of protein sequence and biophysical properties (such as structural, functional, and spatial information, amino acid conservation, physicochemical variation, residue mobility, and thermodynamic stability) performed at Invitae indicates that this missense variant is not expected to disrupt ABCC6 protein function. In summary, the available evidence is currently insufficient to determine the role of this variant in disease. Therefore, it has been classified as a Variant of Uncertain Significance.